The following is an entry in ClinVar:

ClinVar aggregate classification (germline): Uncertain significance (1 of 4 stars; one submission).

Submission:

Labcorp Genetics (formerly Invitae), Labcorp
Classification: Uncertain significance. Last evaluated: 2024-10-23. Review status: criteria provided, single submitter. Criteria: Invitae Variant Classification Sherloc (09022015). Collection method: clinical testing. Allele origin: germline.
Comment: This variant, c.1779_1780delinsTT, is a complex sequence change that results in the deletion of 2 and insertion of 2 amino acid(s) in the MAGEL2 protein (p.Gln593_Pro594delinsHisSer). Information on the frequency of this variant in the gnomAD database is not available, as this variant may be reported differently in the database. This variant has not been reported in the literature in individuals affected with MAGEL2-related conditions. Experimental studies and prediction algorithms are not available or were not evaluated, and the functional significance of this variant is currently unknown. In summary, the available evidence is currently insufficient to determine the role of this variant in disease. Therefore, it has been classified as a Variant of Uncertain Significance.

NM_019066.5(MAGEL2):c.1779_1780delinsTT (p.Gln593_Pro594delinsHisSer)

Gene: MAGEL2 (MAGE family member L2; minus strand). Cytogenetic location: 15q11.2.
Variant type: Indel.
Coding change: c.1779_1780delinsTT on transcript NM_019066.5 (MANE Select); coding-DNA positions 1779 to 1780, GC replaced by TT.
Protein change: p.Gln593_Pro594delinsHisSer.
Molecular consequence: missense variant.
Genome position (GRCh38, 1-based): chr15:23,645,963-23,645,964, GC replaced by AA on the plus strand (GC replaced by TT on the coding strand, the reverse complement: MAGEL2 is on the minus strand). VCF-style: chr15-23645963-GC-AA. GRCh37 (hg19) VCF-style: chr15-23891110-GC-AA.
Identifiers: ClinVar variation 2698925 (VCV002698925.3), dbSNP rs2503979449, ClinGen allele CA2697554341.